The following is an entry in ClinVar:

ClinVar aggregate classification (germline): Uncertain significance (1 of 4 stars; one submission).

Submission:

GeneDx
Classification: Uncertain significance. Last evaluated: 2022-03-08. Review status: criteria provided, single submitter. Criteria: GeneDx Variant Classification Process June 2021. Collection method: clinical testing. Allele origin: germline. Affected: yes.
Comment: Not observed at significant frequency in large population cohorts (gnomAD); In silico analysis supports that this missense variant has a deleterious effect on protein structure/function; Has not been previously published as pathogenic or benign to our knowledge

NM_001378452.1(ITPR1):c.7712T>G (p.Phe2571Cys)

Genes: ITPR1 (inositol 1,4,5-trisphosphate receptor type 1; plus strand), LOC126806590 (MED14-independent group 3 enhancer GRCh37_chr3:4855759-4856958; plus strand). Cytogenetic location: 3p26.1.
Variant type: single nucleotide variant.
Coding change: c.7712T>G on transcript NM_001378452.1 (MANE Select); coding-DNA position 7712, T replaced by G.
Protein change: p.Phe2571Cys; replaces phenylalanine 2571 with cysteine.
Molecular consequence: missense variant.
Genome position (GRCh38, 1-based): chr3:4,815,063, T>G. VCF-style: chr3-4815063-T-G. GRCh37 (hg19) VCF-style: chr3-4856747-T-G.
Other names: c.7568T>G, p.Phe2523Cys (NM_001099952.4); c.7667T>G, p.Phe2556Cys (NM_001168272.2); c.7523T>G, p.Phe2508Cys (NM_002222.7); short protein forms F2508C, F2523C, F2556C, F2571C.
Identifiers: ClinVar variation 1704696 (VCV001704696.2), dbSNP rs2470180886, ClinGen allele CA351649342.